The following is an entry in ClinVar:

ClinVar aggregate classification (germline): Uncertain significance. Review status: criteria provided, multiple submitters, no conflicts (2 of 4 stars). 2 submissions from 2 submitters: Uncertain significance (2). Last evaluated 2025-10-26.

Submissions (2):

Labcorp Genetics (formerly Invitae), Labcorp
Classification: Uncertain significance. Last evaluated: 2025-10-26. Review status: criteria provided, single submitter. Criteria: Invitae Variant Classification Sherloc (09022015). Collection method: clinical testing. Allele origin: germline.
Comment: This sequence change replaces glycine, which is neutral and non-polar, with valine, which is neutral and non-polar, at codon 174 of the COL2A1 protein (p.Gly174Val). This variant is not present in population databases (gnomAD no frequency). This variant has not been reported in the literature in individuals affected with COL2A1-related conditions. Invitae Evidence Modeling of protein sequence and biophysical properties (such as structural, functional, and spatial information, amino acid conservation, physicochemical variation, residue mobility, and thermodynamic stability) indicates that this missense variant is expected to disrupt COL2A1 protein function with a positive predictive value of 95%. In summary, the available evidence is currently insufficient to determine the role of this variant in disease. Therefore, it has been classified as a Variant of Uncertain Significance.

Blueprint Genetics
Classification: Uncertain significance. Last evaluated: 2020-11-26. Review status: criteria provided, single submitter. Criteria: ACMG Guidelines, 2015. Collection method: clinical testing. Allele origin: germline.

NM_001844.5(COL2A1):c.521G>T (p.Gly174Val)

Gene: COL2A1 (collagen type II alpha 1 chain; minus strand). Cytogenetic location: 12q13.11.
Variant type: single nucleotide variant.
Coding change: c.521G>T on transcript NM_001844.5 (MANE Select); coding-DNA position 521, G replaced by T.
Protein change: p.Gly174Val; replaces glycine 174 with valine.
Molecular consequence: missense variant.
Genome position (GRCh38, 1-based): chr12:47,997,616, C>A on the plus strand (G>T on the coding strand, the complement: COL2A1 is on the minus strand). VCF-style: chr12-47997616-C-A. GRCh37 (hg19) VCF-style: chr12-48391399-C-A.
Other names: c.314G>T, p.Gly105Val (NM_033150.3); short protein forms G174V, G105V.
Identifiers: ClinVar variation 4696285 (VCV004696285.2).